The following is an entry in ClinVar:

ClinVar aggregate classification (germline): Pathogenic (1 of 4 stars; one submission).

Conditions:
DICER1-related tumor predisposition. Also called: DICER1-related pleuropulmonary blastoma cancer predisposition syndrome; DICER1 syndrome. Identifiers: Orphanet 284343, MedGen C3839822, MONDO:0100216.

Submission:

Foulkes Cancer Genetics LDI, Lady Davis Institute for Medical Research
Classification: Pathogenic for Pleuropulmonary blastoma. Last evaluated: 2019-07-01. Review status: criteria provided, single submitter. Criteria: ACMG Guidelines, 2015. Collection method: curation. Allele origin: somatic. Affected: yes. Observed: 1 variant allele.
Comment: ACMG criteria met: PVS1, PM2, PP4

Literature cited by the submitters: PubMed 26475046.

NM_177438.3(DICER1):c.4651_4652insTGCT (p.Glu1551fs)

Gene: DICER1 (dicer 1, ribonuclease III; minus strand). Cytogenetic location: 14q32.13.
Variant type: Insertion.
Coding change: c.4651_4652insTGCT on transcript NM_177438.3 (MANE Select); coding-DNA positions 4651 to 4652, TGCT inserted.
Protein change: p.Glu1551fs; shifts the reading frame from glutamic acid 1551.
Molecular consequence: frameshift variant.
Genome position: GRCh38 VCF-style: chr14-95096268-T-TAGCA. GRCh37 (hg19) VCF-style: chr14-95562605-T-TAGCA.
Other names: c.4651_4652insTGCT, p.Glu1551fs (NM_001195573.1, NM_001271282.3, NM_001291628.2 and 1 more transcripts); short protein forms E1551fs.
Identifiers: ClinVar variation 933116 (VCV000933116.3), dbSNP rs1890324311, ClinGen allele CA645587727.
Genomic context (GRCh38, chr14:95,096,268, plus strand): 5'-AAATAGCAGCCCAGCAGGGCTTCCACACAGTCCGCTATGCTTTTGTCAGCAATACACTGC[T>TAGCA]CAGTGTGCAAGTCGTAAGAAATGGACTGCTTTCCCGTGTCAACACCACAGTTTTCTTCTG-3'